The following is an entry in ClinVar:

NM_001042492.3(NF1):c.5461G>A (p.Val1821Ile)

Gene: NF1 (neurofibromin 1; plus strand). Cytogenetic location: 17q11.2.
Variant type: single nucleotide variant.
Coding change: c.5461G>A on transcript NM_001042492.3 (MANE Select); coding-DNA position 5461, G replaced by A.
Protein change: p.Val1821Ile; replaces valine 1821 with isoleucine.
Molecular consequence: missense variant.
Genome position (GRCh38, 1-based): chr17:31,327,691, G>A. VCF-style: chr17-31327691-G-A. GRCh37 (hg19) VCF-style: chr17-29654709-G-A.
Other names: c.5398G>A, p.Val1800Ile (NM_000267.4); short protein forms V1821I, V1800I.
Identifiers: ClinVar variation 1747257 (VCV001747257.2), dbSNP rs1597832135, ClinGen allele CA399009494.

ClinVar aggregate classification (germline): Uncertain significance (1 of 4 stars; one submission).

Conditions:
Cardiovascular phenotype. Identifiers: MedGen CN230736.
Hereditary cancer-predisposing syndrome. Also called: Hereditary Cancer Syndrome; Neoplastic Syndromes, Hereditary; Tumor predisposition; Hereditary neoplastic syndrome. Identifiers: Orphanet 140162, MedGen C0027672, MeSH D009386, MONDO:0015356.

Allele frequency attached by ClinVar (database versions not stated): gnomAD 0.00001.
gnomAD v4.1: 1 of 1,613,972 alleles (0.000062%); no homozygotes.

Submission:

Ambry Genetics
Classification: Uncertain significance for Cardiovascular phenotype; Hereditary cancer-predisposing syndrome. Last evaluated: 2023-09-11. Review status: criteria provided, single submitter. Criteria: Ambry Variant Classification Scheme 2023. Collection method: clinical testing. Allele origin: germline.
Comment: The p.V1800I variant (also known as c.5398G>A), located in coding exon 37 of the NF1 gene, results from a G to A substitution at nucleotide position 5398. The valine at codon 1800 is replaced by isoleucine, an amino acid with highly similar properties. This amino acid position is highly conserved in available vertebrate species. In addition, the in silico prediction for this alteration is inconclusive. Since supporting evidence is limited at this time, the clinical significance of this alteration remains unclear.